The following is an entry in ClinVar:

ClinVar aggregate classification (germline): Likely pathogenic (1 of 4 stars; one submission).

Submission:

Mayo Clinic Laboratories, Mayo Clinic
Classification: Likely pathogenic. Last evaluated: 2022-07-25. Review status: criteria provided, single submitter. Criteria: ACMG Guidelines, 2015. Collection method: clinical testing. Allele origin: germline. Observed: 1 variant allele.
Comment: PM2, PVS1

Literature cited by the submitters: PubMed 32596782.

NM_001355436.2(SPTB):c.5016dup (p.Ala1673fs)

Gene: SPTB (spectrin beta, erythrocytic; minus strand). Cytogenetic location: 14q23.3.
Variant type: Duplication.
Coding change: c.5016dup on transcript NM_001355436.2 (MANE Select); coding-DNA position 5016, one base duplicated (C; older notation c.5016dupC).
Protein change: p.Ala1673fs; shifts the reading frame from alanine 1673.
Molecular consequence: frameshift variant.
Genome position (GRCh38, 1-based): chr14:64,773,382, G duplicated on the plus strand (C on the coding strand, the reverse complement: SPTB is on the minus strand). VCF-style (leftmost placement, unchanged base first): chr14-64773381-C-CG. GRCh37 (hg19) VCF-style: chr14-65240099-C-CG.
Other names: c.5016dup, p.Ala1673fs (NM_001024858.4, NM_001355437.2); short protein forms A1673fs.
Identifiers: ClinVar variation 2683456 (VCV002683456.1), dbSNP rs2503061238, ClinGen allele CA2697553952.
Genomic context (GRCh38, chr14:64,773,381, plus strand): 5'-ACAGGTGGTACATGTTCTCCAGCTTGCGCTTGCGCTCTTCCGCCACGTCCTTCAGCCCTG[C>CG]GTAGTGCTTGTCCACTTGCCCCTGAAGTCTGATGATCTGTTCCCTGGAATTCAAAACCAA-3'